The following is an entry in ClinVar:

ClinVar aggregate classification (germline): Likely benign. Review status: criteria provided, single submitter (1 of 4 stars). 2 submissions from 2 submitters: Likely benign (1). 1 of the submissions does not count toward it. Last evaluated 2019-10-17.

Conditions:
Leigh syndrome (NULS). Also called: LEIGH SYNDROME, NUCLEAR; Leigh Syndrome (mtDNA deletion); Leigh Disease; Subacute necrotizing encephalopathy; Necrotizing encephalopathy infantile subacute of Leigh; Leigh's necrotizing encephalopathy. Identifiers: Orphanet 506, MedGen C2931891, MONDO:0009723, OMIM 256000.
Ischemic stroke. Also called: Ischemic stroke, susceptibility to; CEREBROVASCULAR ACCIDENT. Identifiers: MedGen C0948008, MONDO:1060198, OMIM 601367, HP:0002140.
Focal white matter lesions. Identifiers: MedGen C4024946, HP:0007042.

Submissions (2):

Wong Mito Lab, Molecular and Human Genetics, Baylor College of Medicine
Classification: Likely benign for Leigh syndrome. Last evaluated: 2019-10-17. Review status: criteria provided, single submitter. Criteria: Modified ACMG Guidelines (Unpublished). Collection method: clinical testing. Allele origin: germline.
Comment: The NC_012920.1:m.8084A>G (YP_003024029.1:p.Thr167Ala) variant in MTCO2 gene is interpretated to be a Likely Benign variant based on the modified ACMG guidelines (unpublished). This variant meets the following evidence codes: BS1, BP4

Centre for Mendelian Genomics, University Medical Centre Ljubljana
Classification: Uncertain significance for Focal white matter lesions; Ischemic stroke. Last evaluated: 2016-02-29. Review status: no assertion criteria provided. Collection method: clinical testing. Allele origin: unknown. Affected: yes. Not counted in ClinVar's aggregate classification.

NC_012920.1(MT-CO2):m.8084A>G

Gene: MT-CO2 (mitochondrially encoded cytochrome c oxidase II; plus strand).
Variant type: single nucleotide variant.
Genome position: chrM-8084-A-G.
Identifiers: ClinVar variation 373996 (VCV000373996.3), dbSNP rs1057518824, ClinGen allele CA16043604.